The following is an entry in ClinVar:

ClinVar aggregate classification (germline): Uncertain significance. Review status: criteria provided, multiple submitters, no conflicts (2 of 4 stars). 5 submissions from 5 submitters: Uncertain significance (5). Last evaluated 2026-04-17.

Conditions:
Inborn genetic diseases. Identifiers: MedGen C0950123, MeSH D030342.

Allele frequency attached by ClinVar (database versions not stated): ExAC 0.00003; TOPMed 0.00007; gnomAD exomes 0.00001 and 0.00002; ESP Exome Variant Server 0.00008.
gnomAD v4.1: 20 of 1,614,130 alleles (0.0012%); highest among the groups gnomAD compares: Admixed American, 0.005%; no homozygotes.

Submissions (5):

GeneDx
Classification: Uncertain significance. Last evaluated: 2026-04-17. Review status: criteria provided, single submitter. Criteria: GeneDx Variant Classification Process June 2021. Collection method: clinical testing. Allele origin: germline.
Comment: Not observed at significant frequency in large population cohorts (gnomAD); In silico analysis suggests that this missense variant does not alter protein structure/function; Has not been previously published as pathogenic or benign to our knowledge

Labcorp Genetics (formerly Invitae), Labcorp
Classification: Uncertain significance. Last evaluated: 2024-11-11. Review status: criteria provided, single submitter. Criteria: Invitae Variant Classification Sherloc (09022015). Collection method: clinical testing. Allele origin: germline.
Comment: This sequence change replaces arginine, which is basic and polar, with histidine, which is basic and polar, at codon 1165 of the SZT2 protein (p.Arg1165His). This variant is present in population databases (rs368376076, gnomAD 0.006%). This variant has not been reported in the literature in individuals affected with SZT2-related conditions. ClinVar contains an entry for this variant (Variation ID: 949859). Invitae Evidence Modeling of protein sequence and biophysical properties (such as structural, functional, and spatial information, amino acid conservation, physicochemical variation, residue mobility, and thermodynamic stability) indicates that this missense variant is not expected to disrupt SZT2 protein function with a negative predictive value of 80%. In summary, the available evidence is currently insufficient to determine the role of this variant in disease. Therefore, it has been classified as a Variant of Uncertain Significance.

Blueprint Genetics
Classification: Uncertain significance. Last evaluated: 2024-09-18. Review status: criteria provided, single submitter. Criteria: ACMG Guidelines, 2015. Collection method: clinical testing. Allele origin: germline.

Ambry Genetics
Classification: Uncertain significance for Inborn genetic diseases. Last evaluated: 2024-08-20. Review status: criteria provided, single submitter. Criteria: Ambry Variant Classification Scheme 2023. Collection method: clinical testing. Allele origin: germline.

Breakthrough Genomics
Classification: Uncertain significance. Review status: criteria provided, single submitter. Criteria: ACMG Guidelines, 2015. Collection method: not provided. Allele origin: germline. Inheritance: Autosomal recessive inheritance. Affected: yes.

NM_001365999.1(SZT2):c.3665G>A (p.Arg1222His)

Gene: SZT2 (SZT2 subunit of KICSTOR complex; plus strand). Cytogenetic location: 1p34.2.
Variant type: single nucleotide variant.
Coding change: c.3665G>A on transcript NM_001365999.1 (MANE Select); coding-DNA position 3665, G replaced by A.
Protein change: p.Arg1222His; replaces arginine 1222 with histidine.
Molecular consequence: missense variant.
Genome position (GRCh38, 1-based): chr1:43,427,596, G>A. VCF-style: chr1-43427596-G-A. GRCh37 (hg19) VCF-style: chr1-43893267-G-A.
Other names: c.3494G>A, p.Arg1165His (NM_015284.4); short protein forms R1165H, R1222H.
Identifiers: ClinVar variation 949859 (VCV000949859.12), dbSNP rs368376076, ClinGen allele CA809057.